The following is an entry in ClinVar:

ClinVar aggregate classification (germline): Pathogenic (1 of 4 stars; one submission).

Conditions:
Nemaline myopathy 8 (NEM8). Also called: Nemaline myopathy 8, autosomal recessive. Identifiers: Orphanet 171430, MedGen C3809209, MONDO:0014138, OMIM 615348.

Submission:

Labcorp Genetics (formerly Invitae), Labcorp
Classification: Pathogenic for Nemaline myopathy 8. Last evaluated: 2025-09-24. Review status: criteria provided, single submitter. Criteria: Invitae Variant Classification Sherloc (09022015). Collection method: clinical testing. Allele origin: germline.
Comment: This sequence change creates a premature translational stop signal (p.Gln102Argfs*68) in the KLHL40 gene. It is expected to result in an absent or disrupted protein product. Loss-of-function variants in KLHL40 are known to be pathogenic (PMID: 23746549). This variant is not present in population databases (gnomAD no frequency). This variant has not been reported in the literature in individuals affected with KLHL40-related conditions. For these reasons, this variant has been classified as Pathogenic.

Literature cited by the submitters: PubMed 23746549.

NM_152393.4(KLHL40):c.301_304dup (p.Gln102fs)

Gene: KLHL40 (kelch like family member 40; plus strand). Cytogenetic location: 3p22.1.
Variant type: Duplication.
Coding change: c.301_304dup on transcript NM_152393.4 (MANE Select); coding-DNA positions 301 to 304, 4 bases duplicated (GTGC; older notation c.301_304dupGTGC).
Protein change: p.Gln102fs; shifts the reading frame from glutamine 102.
Molecular consequence: frameshift variant.
Genome position (GRCh38, 1-based): chr3:42,685,919-42,685,922, GTGC duplicated; duplicating any 4 consecutive bases within chr3:42,685,917-42,685,922 gives the same sequence; the c. name uses the placement nearest the transcript's 3' end. VCF-style (leftmost placement, unchanged base first): chr3-42685916-A-AGCGT. GRCh37 (hg19) VCF-style: chr3-42727408-A-AGCGT.
Other names: short protein forms Q102fs.
Identifiers: ClinVar variation 4727795 (VCV004727795.1).
Genomic context (GRCh38, chr3:42,685,916, plus strand): 5'-GACGTGGTGGCCCAGGTGCTGCACTACCTGTACACATCAGAGATCGCGCTGGATGAGGCG[A>AGCGT]GCGTGCAGGATTTGTTCGCCGCGGCACACCGCTTCCAGATCCCTTCCATCTTCACCATCT-3'